The following is an entry in ClinVar:

ClinVar aggregate classification (germline): Pathogenic (1 of 4 stars; one submission).

Conditions:
Hereditary spastic paraplegia 31. Also called: SPASTIC PARAPLEGIA 31, AUTOSOMAL DOMINANT. Identifiers: Orphanet 101011, MedGen C1853247, MONDO:0012453, OMIM 610250.

Submission:

Labcorp Genetics (formerly Invitae), Labcorp
Classification: Pathogenic for Hereditary spastic paraplegia 31. Last evaluated: 2020-03-06. Review status: criteria provided, single submitter. Criteria: Invitae Variant Classification Sherloc (09022015). Collection method: clinical testing. Allele origin: germline.
Comment: A gross deletion of the genomic region encompassing the full coding sequence of the REEP1 gene has been identified. The boundaries of this event are unknown as the deletion extends beyond the assayed region for this gene and therefore may encompass additional genes. Isolated whole-gene deletions of REEP1 have not been reported in the literature. However, larger copy number events that include this gene have been reported (PMID: 24986827, 22062632). Loss-of-function variants in REEP1 are known to be pathogenic (PMID: 18321925, 18644145, 22703882). For these reasons, this variant has been classified as Pathogenic.

Literature cited by the submitters: PubMed 24986827; PubMed 22062632; PubMed 18321925; PubMed 18644145; PubMed 22703882.

NC_000002.11:g.(?_86444152)_(86564643_?)del

Gene: REEP1 (receptor accessory protein 1; minus strand). Cytogenetic location: 2p11.2.
Variant type: Deletion.
Identifiers: ClinVar variation 1071529 (VCV001071529.1).